The following is an entry in ClinVar:

NM_003476.5(CSRP3):c.*12G>A

Gene: CSRP3 (cysteine and glycine rich protein 3; minus strand). Cytogenetic location: 11p15.1.
Variant type: single nucleotide variant.
Coding change: c.*12G>A on transcript NM_003476.5 (MANE Select); 12 bases downstream of the stop codon, G replaced by A.
Molecular consequence: 3 prime UTR variant. On other transcripts: missense variant (1).
Genome position (GRCh38, 1-based): chr11:19,182,658, C>T on the plus strand (G>A on the coding strand, the complement: CSRP3 is on the minus strand). VCF-style: chr11-19182658-C-T. GRCh37 (hg19) VCF-style: chr11-19204205-C-T.
Other names: c.428G>A, p.Arg143His (NM_001369404.1); short protein forms R143H.
Identifiers: ClinVar variation 163004 (VCV000163004.10), dbSNP rs45607943, ClinGen allele CA175595.

ClinVar aggregate classification (germline): Benign/Likely benign. Review status: criteria provided, multiple submitters, no conflicts (2 of 4 stars). 7 submissions from 7 submitters: Benign (2); Likely benign (4). 1 of the submissions does not count toward it. Last evaluated 2025-04-09.

Conditions:
Dilated cardiomyopathy 1M (CMD1M). Identifiers: Orphanet 154, MedGen C1843808, MONDO:0011840, OMIM 607482.
Hypertrophic cardiomyopathy 12. Identifiers: MedGen C2677491, MONDO:0012804, OMIM 612124.
Cardiomyopathy (CMYO). Also called: Cardiomyopathies. Identifiers: Orphanet 167848, MedGen C0878544, MONDO:0004994, HP:0001638. Inheritance: Various modes of inheritance.

Allele frequency attached by ClinVar (database versions not stated): gnomAD exomes 0.00016 and 0.00037; ExAC 0.00042; ESP Exome Variant Server 0.00046; gnomAD 0.00103 and 0.00108; TOPMed 0.00115; 1000 Genomes Project 0.00120; 1000 Genomes Project 30x 0.00125.
gnomAD v4.1: 396 of 1,612,974 alleles (0.025%); highest among the groups gnomAD compares: African/African-American, 0.37%; 1 homozygote.

Submissions (7):

Molecular Diagnostic Laboratory for Inherited Cardiovascular Disease, Montreal Heart Institute
Classification: Likely benign. Last evaluated: 2025-04-09. Review status: criteria provided, single submitter. Criteria: ACMG Guidelines, 2015. Collection method: clinical testing. Allele origin: germline. Affected: no.
Comment: BS1, BP4, BP6

Blueprint Genetics
Classification: Likely benign. Last evaluated: 2024-06-14. Review status: criteria provided, single submitter. Criteria: ACMG Guidelines, 2015. Collection method: clinical testing. Allele origin: germline.

Fulgent Genetics
Classification: Likely benign for Dilated cardiomyopathy 1M; Hypertrophic cardiomyopathy 12. Last evaluated: 2021-08-16. Review status: criteria provided, single submitter. Criteria: ACMG Guidelines, 2015. Collection method: clinical testing. Allele origin: unknown.

Women's Health and Genetics/Laboratory Corporation of America, LabCorp
Classification: Benign. Last evaluated: 2020-08-31. Review status: criteria provided, single submitter. Criteria: LabCorp Variant Classification Summary - May 2015. Collection method: clinical testing. Allele origin: germline.
Comment: Variant summary: CSRP3 c.*12G>A is located in the untranslated mRNA region downstream of the termination codon. The variant allele was found at a frequency of 0.00037 in 251482 control chromosomes, predominantly at a frequency of 0.0031 within the African or African-American subpopulation in the gnomAD database. The observed variant frequency within African or African-American control individuals in the gnomAD database is approximately 124 fold of the estimated maximal expected allele frequency for a pathogenic variant in CSRP3 causing Cardiomyopathy phenotype (2.5e-05), strongly suggesting that the variant is a benign polymorphism found primarily in populations of African or African-American origin. Two clinical diagnostic laboratories have submitted clinical-significance assessments for this variant to ClinVar after 2014 without evidence for independent evaluation. Both laboratories classified the variant as benign/likely benign. Based on the evidence outlined above, the variant was classified as benign.

CHEO Genetics Diagnostic Laboratory, Children's Hospital of Eastern Ontario
Classification: Likely benign for Cardiomyopathy. Last evaluated: 2016-11-23. Review status: criteria provided, single submitter. Criteria: ACMG Guidelines, 2015. Collection method: clinical testing. Allele origin: germline. Study: Canadian Open Genetics Repository.

GeneDx
Classification: Benign. Last evaluated: 2016-10-04. Review status: criteria provided, single submitter. Criteria: GeneDx Variant Classification (06012015). Collection method: clinical testing. Allele origin: germline. Affected: yes.
Comment: This variant is considered likely benign or benign based on one or more of the following criteria: it is a conservative change, it occurs at a poorly conserved position in the protein, it is predicted to be benign by multiple in silico algorithms, and/or has population frequency not consistent with disease.

Laboratory for Molecular Medicine, Mass General Brigham Personalized Medicine
No classification provided. Last evaluated: 2013-01-11. Review status: no classification provided. Collection method: clinical testing. Allele origin: germline. Observed: 4 variant alleles. Not counted in ClinVar's aggregate classification.